The following is an entry in ClinVar:

ClinVar aggregate classification (germline): Uncertain significance (1 of 4 stars; one submission).

gnomAD v4.1: 1 of 1,611,358 alleles (0.000062%); no homozygotes.

Submission:

Ambry Genetics
Classification: Uncertain significance. Last evaluated: 2023-11-03. Review status: criteria provided, single submitter. Criteria: Ambry Variant Classification Scheme 2023. Collection method: clinical testing. Allele origin: germline.
Comment: The p.T1406I variant (also known as c.4217C>T), located in coding exon 38 of the KIF1B gene, results from a C to T substitution at nucleotide position 4217. The threonine at codon 1406 is replaced by isoleucine, an amino acid with similar properties. This amino acid position is conserved. In addition, the in silico prediction for this alteration is inconclusive. Since supporting evidence is limited at this time, the clinical significance of this alteration remains unclear.

NM_001365951.3(KIF1B):c.4355C>T (p.Thr1452Ile)

Gene: KIF1B (kinesin family member 1B; plus strand). Cytogenetic location: 1p36.22.
Variant type: single nucleotide variant.
Coding change: c.4355C>T on transcript NM_001365951.3 (MANE Select); coding-DNA position 4355, C replaced by T.
Protein change: p.Thr1452Ile; replaces threonine 1452 with isoleucine.
Molecular consequence: missense variant.
Genome position (GRCh38, 1-based): chr1:10,363,333, C>T. VCF-style: chr1-10363333-C-T. GRCh37 (hg19) VCF-style: chr1-10423391-C-T.
Other names: c.4355C>T, p.Thr1452Ile (NM_001365952.1); c.4217C>T, p.Thr1406Ile (NM_015074.3); short protein forms T1406I, T1452I.
Identifiers: ClinVar variation 3226492 (VCV003226492.1), dbSNP rs2521898200, ClinGen allele CA338318739.
Genomic context (GRCh38, chr1:10,363,333, plus strand): 5'-CTTCAAATAGGAATCGAGTCACTGGCATTTACGAACTCAGCTTATGCAAAATGTCAGACA[C>T]AGGTAGTCCAGGTAAGCTCTTGTGGATTGAGGAGGTGATAGTTATCTTTGTGTATGTTTC-3'
Protein context (NP_001352880.1, residues 1442-1462): YELSLCKMSD[Thr1452Ile]GSPGMQRRRR